The following is an entry in ClinVar:

ClinVar aggregate classification (germline): Uncertain significance (1 of 4 stars; one submission).

Conditions:
Immunodeficiency-centromeric instability-facial anomalies syndrome 2 (ICF2). Identifiers: Orphanet 2268, MedGen C3279748, MONDO:0013553, OMIM 614069.

Submission:

Labcorp Genetics (formerly Invitae), Labcorp
Classification: Uncertain significance for Immunodeficiency-centromeric instability-facial anomalies syndrome 2. Last evaluated: 2022-10-05. Review status: criteria provided, single submitter. Criteria: Invitae Variant Classification Sherloc (09022015). Collection method: clinical testing. Allele origin: germline.
Comment: This sequence change replaces alanine, which is neutral and non-polar, with glycine, which is neutral and non-polar, at codon 84 of the ZBTB24 protein (p.Ala84Gly). This variant is not present in population databases (gnomAD no frequency). This variant has not been reported in the literature in individuals affected with ZBTB24-related conditions. Algorithms developed to predict the effect of missense changes on protein structure and function are either unavailable or do not agree on the potential impact of this missense change (SIFT: "Not Available"; PolyPhen-2: "Probably Damaging"; Align-GVGD: "Not Available"). In summary, the available evidence is currently insufficient to determine the role of this variant in disease. Therefore, it has been classified as a Variant of Uncertain Significance.

NM_014797.3(ZBTB24):c.251C>G (p.Ala84Gly)

Gene: ZBTB24 (zinc finger and BTB domain containing 24; minus strand). Cytogenetic location: 6q21.
Variant type: single nucleotide variant.
Coding change: c.251C>G on transcript NM_014797.3 (MANE Select); coding-DNA position 251, C replaced by G.
Protein change: p.Ala84Gly; replaces alanine 84 with glycine.
Molecular consequence: missense variant.
Genome position (GRCh38, 1-based): chr6:109,481,776, G>C on the plus strand (C>G on the coding strand, the complement: ZBTB24 is on the minus strand). VCF-style: chr6-109481776-G-C. GRCh37 (hg19) VCF-style: chr6-109802979-G-C.
Other names: c.251C>G, p.Ala84Gly (NM_001164313.2); short protein forms A84G.
Identifiers: ClinVar variation 2074741 (VCV002074741.4), dbSNP rs2482883056, ClinGen allele CA365210838.